The following is an entry in ClinVar:

ClinVar aggregate classification (germline): Pathogenic/Likely pathogenic. Review status: criteria provided, multiple submitters, no conflicts (2 of 4 stars). 2 submissions from 2 submitters: Pathogenic (1); Likely pathogenic (1). Last evaluated 2024-07-17.

Conditions:
Wilson disease (WND). Also called: Wilson's disease. Identifiers: Orphanet 905, MedGen C0019202, MONDO:0010200, OMIM 277900. Disease mechanism: loss of function.

Submissions (2):

Myriad Genetics, Inc.
Classification: Pathogenic for Wilson disease. Last evaluated: 2024-07-17. Review status: criteria provided, single submitter. Criteria: Myriad Autosomal Dominant, Autosomal Recessive and X-Linked Classification Criteria (2023). Collection method: clinical testing. Allele origin: unknown.
Comment: NM_000053.3(ATP7B):c.2987delT(M996Rfs*26) is expected to be pathogenic in the context of Wilson disease. This variant is predicted to lead to an abnormal or absent protein product due to the creation of a premature termination codon in ATP7B, a gene where loss-of-function variants are known to be pathogenic. Please note: this variant was assessed in the context of healthy population screening.

Laboratorio de Genetica e Diagnostico Molecular, Hospital Israelita Albert Einstein
Classification: Likely pathogenic for Wilson disease. Last evaluated: 2019-08-21. Review status: criteria provided, single submitter. Criteria: ACMG Guidelines, 2015. Collection method: clinical testing. Allele origin: germline.
Comment: ACMG classification criteria: PVS1, PM2

NM_000053.4(ATP7B):c.2987del (p.Met996fs)

Gene: ATP7B (ATPase copper transporting beta; minus strand). Cytogenetic location: 13q14.3.
Variant type: Deletion.
Coding change: c.2987del on transcript NM_000053.4 (MANE Select); coding-DNA position 2987, one base deleted (T; older notation c.2987delT).
Protein change: p.Met996fs; shifts the reading frame from methionine 996.
Molecular consequence: frameshift variant.
Genome position (GRCh38, 1-based): chr13:51,946,357, A deleted on the plus strand (T on the coding strand, the reverse complement: ATP7B is on the minus strand). VCF-style (leftmost placement, unchanged base first): chr13-51946356-CA-C. GRCh37 (hg19) VCF-style: chr13-52520492-CA-C.
Other names: c.2366del, p.Met789fs (NM_001005918.3); c.2654del, p.Met885fs (NM_001243182.2); c.2753del, p.Met918fs (NM_001330578.2); c.2735del, p.Met912fs (NM_001330579.2); short protein forms M789fs, M885fs, M912fs, M918fs, M996fs.
Identifiers: ClinVar variation 2672302 (VCV002672302.2), dbSNP rs2139054241, ClinGen allele CA2573149710.